The following is an entry in ClinVar:

ClinVar aggregate classification (germline): Conflicting classifications of pathogenicity. Review status: criteria provided, conflicting classifications (1 of 4 stars). 11 submissions from 11 submitters: Uncertain significance (5); Benign (2); Likely benign (3). 1 of the submissions does not count toward it. Last evaluated 2026-01-16.

Conditions:
Fanconi anemia, complementation group S (FANCS). Identifiers: MedGen C4554406, MONDO:0054748, OMIM 617883.
Familial cancer of breast. Also called: Hereditary breast cancer; hereditary breast carcinoma; BREAST CANCER, FAMILIAL. Identifiers: Orphanet 227535, MedGen C0346153, MONDO:0016419, OMIM 114480. Disease mechanism: loss of function.
Breast-ovarian cancer, familial, susceptibility to, 1 (BROVCA1). Also called: BRCA1 Hereditary Breast and Ovarian Cancer; OVARIAN CANCER, SUSCEPTIBILITY TO. Identifiers: Orphanet 145, MedGen C2676676, MONDO:0011450, OMIM 604370. Disease mechanism: loss of function.
Hereditary cancer-predisposing syndrome. Also called: Tumor predisposition; Hereditary neoplastic syndrome; Neoplastic Syndromes, Hereditary; Hereditary Cancer Syndrome. Identifiers: Orphanet 140162, MedGen C0027672, MeSH D009386, MONDO:0015356.
Hereditary breast ovarian cancer syndrome. Also called: Hereditary breast and ovarian cancer syndrome (HBOC); Hereditary breast and ovarian cancer; Hereditary breast and ovarian cancer syndrome; Breast and ovarian cancer; Hereditary breast and/or ovarian cancer syndrome; BRCA1- and BRCA2-Associated Hereditary Breast and Ovarian Cancer. Identifiers: Orphanet 145, MedGen C0677776, MeSH D061325, MONDO:0003582. Disease mechanism: loss of function.

Allele frequency attached by ClinVar (database versions not stated): gnomAD exomes 0.00001.
gnomAD v4.1: 19 of 1,614,074 alleles (0.0012%); highest among the groups gnomAD compares: Non-Finnish European, 0.0016%; no homozygotes.

Submissions (11):

Labcorp Genetics (formerly Invitae), Labcorp
Classification: Likely benign for Hereditary breast ovarian cancer syndrome. Last evaluated: 2026-01-16. Review status: criteria provided, single submitter. Criteria: Invitae Variant Classification Sherloc (09022015). Collection method: clinical testing. Allele origin: germline.

Quest Diagnostics Nichols Institute San Juan Capistrano
Classification: Uncertain significance. Last evaluated: 2024-07-16. Review status: criteria provided, single submitter. Criteria: Quest Diagnostics criteria. Collection method: clinical testing. Allele origin: unknown.
Comment: The BRCA1 c.1015A>G (p.Lys339Glu) variant has been reported in the published literature to be located in a region of the BRCA1 gene that is tolerant to missense sequence changes (PMID: 31911673 (2020)). A multifactorial analysis demonstrated that this variant was inconclusive in it's assessment of protein function (PMID: 31131967 (2019)). To the best of our knowledge, this variant has not been reported in individuals with BRCA1-related disorders. The frequency of this variant in the general population, 0.000008 (2/251230 chromosomes (Genome Aggregation Database)), is uninformative in the assessment of its pathogenicity. Analysis of this variant using bioinformatics tools for the prediction of the effect of amino acid changes on protein structure and function yielded predictions that this variant is benign. Based on the available information, we are unable to determine the clinical significance of this variant.

Molecular Pathology, Peter Maccallum Cancer Centre
Classification: Likely benign for Breast-ovarian cancer, familial, susceptibility to, 1. Last evaluated: 2024-04-18. Review status: criteria provided, single submitter. Criteria: ACMG Guidelines, 2015. Collection method: clinical testing. Allele origin: germline. Inheritance: Autosomal dominant inheritance.

All of Us Research Program, National Institutes of Health
Classification: Benign for Breast-ovarian cancer, familial, susceptibility to, 1. Last evaluated: 2023-11-28. Review status: criteria provided, single submitter. Criteria: ACMG Guidelines, 2015. Collection method: clinical testing. Allele origin: germline. Inheritance: Autosomal dominant inheritance. Observed: 4 variant alleles, 4 heterozygotes.
Comment: This study involves interpretation of variants in research participants for the purpose of population health screening. Participant phenotype was not available at the time of variant classification. Additional details can be found in publication PMID: 35346344, PMCID: PMC8962531

Ambry Genetics
Classification: Uncertain significance for Hereditary cancer-predisposing syndrome. Last evaluated: 2023-09-14. Review status: criteria provided, single submitter. Criteria: Ambry Variant Classification Scheme 2023. Collection method: clinical testing. Allele origin: germline.
Comment: The p.K339E variant (also known as c.1015A>G), located in coding exon 9 of the BRCA1 gene, results from an A to G substitution at nucleotide position 1015. The lysine at codon 339 is replaced by glutamic acid, an amino acid with similar properties. This amino acid position is not well conserved in available vertebrate species. In addition, the in silico prediction for this alteration is inconclusive. Since supporting evidence is limited at this time, the clinical significance of this alteration remains unclear.

University of Washington Department of Laboratory Medicine, University of Washington
Classification: Likely benign for Hereditary cancer-predisposing syndrome. Last evaluated: 2023-03-23. Review status: criteria provided, single submitter. Criteria: Dines et al. (Genet Med. 2020). Collection method: curation. Allele origin: germline.
Comment: Missense variant in a coldspot region where missense variants are very unlikely to be pathogenic (PMID:31911673).

BRCA1 coldspot (exon 11 using historical exon numbering). Reclassification based on statistical prior probability

CeGaT Center for Human Genetics Tuebingen
Classification: Uncertain significance. Last evaluated: 2021-04-01. Review status: criteria provided, single submitter. Criteria: CeGaT Center For Human Genetics Tuebingen Variant Classification Criteria Version 2. Collection method: clinical testing. Allele origin: germline. Affected: yes. Observed: 1 variant allele.

Department of Pathology and Laboratory Medicine, Sinai Health System
Classification: Uncertain significance for Familial cancer of breast; Breast-ovarian cancer, familial, susceptibility to, 1; Fanconi anemia, complementation group S. Last evaluated: 2021-02-04. Review status: criteria provided, single submitter. Criteria: ACMG Guidelines, 2015. Collection method: clinical testing. Allele origin: germline. Affected: yes.

GeneDx
Classification: Uncertain significance. Last evaluated: 2019-11-22. Review status: criteria provided, single submitter. Criteria: GeneDx Variant Classification Process June 2021. Collection method: clinical testing. Allele origin: germline. Affected: yes.
Comment: Not observed at a significant frequency in large population cohorts (Lek 2016); In silico analysis, which includes protein predictors and evolutionary conservation, supports a deleterious effect; Has not been previously published as pathogenic or benign to our knowledge; This variant is associated with the following publications: (PMID: 31131967)

Color Diagnostics, LLC DBA Color Health
Classification: Benign for Hereditary cancer-predisposing syndrome. Last evaluated: 2016-07-27. Review status: criteria provided, single submitter. Criteria: ACMG Guidelines, 2015. Collection method: clinical testing. Allele origin: germline.

Sharing Clinical Reports Project (SCRP)
Classification: Benign for Breast-ovarian cancer, familial 1. Last evaluated: 2012-03-23. Review status: no assertion criteria provided. Collection method: clinical testing. Allele origin: germline. Not counted in ClinVar's aggregate classification.

Literature cited by the submitters: PubMed 31911673 (cited by Quest Diagnostics Nichols Institute San Juan Capistrano); PubMed 31131967 (cited by Quest Diagnostics Nichols Institute San Juan Capistrano).

NM_007294.4(BRCA1):c.1015A>G (p.Lys339Glu)

Gene: BRCA1 (BRCA1 DNA repair associated; minus strand). Cytogenetic location: 17q21.31.
Variant type: single nucleotide variant.
Coding change: c.1015A>G on transcript NM_007294.4 (MANE Select); coding-DNA position 1015, A replaced by G.
Protein change: p.Lys339Glu; replaces lysine 339 with glutamic acid.
Molecular consequence: missense variant. On other transcripts: intron variant (137).
Genome position (GRCh38, 1-based): chr17:43,094,516, T>C on the plus strand (A>G on the coding strand, the complement: BRCA1 is on the minus strand). VCF-style: chr17-43094516-T-C. GRCh37 (hg19) VCF-style: chr17-41246533-T-C.
Other names: 1134A>G; c.802A>G, p.Lys268Glu (NM_001407571.1, NM_001407853.1, NM_001407894.1 and 9 more transcripts); c.1015A>G, p.Lys339Glu (NM_001407581.1, NM_001407582.1, NM_001407583.1 and 30 more transcripts); c.1012A>G, p.Lys338Glu (NM_001407587.1, NM_001407590.1, NM_001407591.1 and 22 more transcripts); c.1006A>G, p.Lys336Glu (NM_001407646.1, NM_001407647.1); c.934A>G, p.Lys312Glu (NM_001407659.1, NM_001407660.1, NM_001407661.1 and 1 more transcripts); c.937A>G, p.Lys313Glu (NM_001407663.1, NM_001407653.1, NM_001407654.1 and 4 more transcripts); c.892A>G, p.Lys298Glu (NM_001407664.1, NM_001407665.1, NM_001407666.1 and 19 more transcripts); and 41 more; short protein forms K339E, K292E, K312E, K338E, K212E, K228E, K271E, K297E.
Identifiers: ClinVar variation 96894 (VCV000096894.62), dbSNP rs55842957, ClinGen allele CA000685.